The following is an entry in ClinVar:

NM_004655.4(AXIN2):c.2187T>A (p.Thr729=)

Gene: AXIN2 (axin 2; minus strand). Cytogenetic location: 17q24.1.
Variant type: single nucleotide variant.
Coding change: c.2187T>A on transcript NM_004655.4 (MANE Select); coding-DNA position 2187, T replaced by A.
Protein change: p.Thr729=; no amino-acid change (threonine 729 retained).
Molecular consequence: synonymous variant.
Genome position (GRCh38, 1-based): chr17:65,535,676, A>T on the plus strand (T>A on the coding strand, the complement: AXIN2 is on the minus strand). VCF-style: chr17-65535676-A-T. GRCh37 (hg19) VCF-style: chr17-63531794-A-T.
Other names: c.2187T>A (LRG_296t1); c.1992T>A, p.Thr664= (NM_001363813.1).
Identifiers: ClinVar variation 464598 (VCV000464598.16), dbSNP rs760974572, ClinGen allele CA8718381.

ClinVar aggregate classification (germline): Benign/Likely benign. Review status: criteria provided, multiple submitters, no conflicts (2 of 4 stars). 4 submissions from 4 submitters: Benign (2); Likely benign (2). Last evaluated 2025-11-17.

Conditions:
Hereditary cancer-predisposing syndrome. Also called: Neoplastic Syndromes, Hereditary; Tumor predisposition; Hereditary Cancer Syndrome; Hereditary neoplastic syndrome. Identifiers: Orphanet 140162, MedGen C0027672, MeSH D009386, MONDO:0015356.
Oligodontia-cancer predisposition syndrome. Also called: TOOTH AGENESIS-COLORECTAL CANCER SYNDROME. Identifiers: Orphanet 300576, MedGen C1837750, MONDO:0012075, OMIM 608615. Disease mechanism: loss of function.

Allele frequency attached by ClinVar (database versions not stated): gnomAD exomes 0.00001; ExAC 0.00002; TOPMed 0.00003; gnomAD 0.00004.

Submissions (4):

Labcorp Genetics (formerly Invitae), Labcorp
Classification: Likely benign for Oligodontia-cancer predisposition syndrome. Last evaluated: 2025-11-17. Review status: criteria provided, single submitter. Criteria: Invitae Variant Classification Sherloc (09022015). Collection method: clinical testing. Allele origin: germline.

Quest Diagnostics Nichols Institute San Juan Capistrano
Classification: Benign. Last evaluated: 2024-12-27. Review status: criteria provided, single submitter. Criteria: Quest Diagnostics criteria. Collection method: clinical testing. Allele origin: unknown.

Myriad Genetics, Inc.
Classification: Benign for Oligodontia-cancer predisposition syndrome. Last evaluated: 2024-07-10. Review status: criteria provided, single submitter. Criteria: Myriad Autosomal Dominant, Autosomal Recessive and X-Linked Classification Criteria (2023). Collection method: clinical testing. Allele origin: unknown.
Comment: This variant is considered benign. This variant is a silent/synonymous amino acid change and it is not expected to impact splicing.

Ambry Genetics
Classification: Likely benign for Hereditary cancer-predisposing syndrome. Last evaluated: 2020-08-20. Review status: criteria provided, single submitter. Criteria: Ambry Variant Classification Scheme 2023. Collection method: clinical testing. Allele origin: germline.